The following is an entry in ClinVar:

NM_001963.6(EGF):c.2432T>C (p.Val811Ala)

Gene: EGF (epidermal growth factor; plus strand). Cytogenetic location: 4q25.
Variant type: single nucleotide variant.
Coding change: c.2432T>C on transcript NM_001963.6 (MANE Select); coding-DNA position 2432, T replaced by C.
Protein change: p.Val811Ala; replaces valine 811 with alanine.
Molecular consequence: missense variant.
Genome position (GRCh38, 1-based): chr4:109,983,482, T>C. VCF-style: chr4-109983482-T-C. GRCh37 (hg19) VCF-style: chr4-110904638-T-C.
Other names: c.2432T>C (NM_001963.4); c.2432T>C, p.Val811Ala (NM_001178130.3); c.2306T>C, p.Val769Ala (NM_001178131.3, NM_001357021.2); short protein forms V811A, V769A.
Identifiers: ClinVar variation 1951808 (VCV001951808.6), dbSNP rs772016292, ClinGen allele CA3043969.
Genomic context (GRCh38, chr4:109,983,482, plus strand): 5'-GTGGTGAAGTTGATCTAAAGAACCAAGTAACACCATTGGACATCTTGTCCAAGACTAGAG[T>C]GTCAGAAGATAACATTACAGAATCTCAACACATGCTAGTGGCTGAAATCATGGTGTCAGG-3'
Protein context (NP_001954.2, residues 801-821): TPLDILSKTR[Val811Ala]SEDNITESQH

ClinVar aggregate classification (germline): Uncertain significance. Review status: criteria provided, multiple submitters, no conflicts (2 of 4 stars). 2 submissions from 2 submitters: Uncertain significance (2). Last evaluated 2025-02-27.

Allele frequency attached by ClinVar (database versions not stated): gnomAD exomes below 0.00001; ExAC 0.00001.
gnomAD v4.1: 3 of 1,613,806 alleles (0.00019%); highest among the groups gnomAD compares: African/African-American, 0.0013%; no homozygotes.

Submissions (2):

Ambry Genetics
Classification: Uncertain significance. Last evaluated: 2025-02-27. Review status: criteria provided, single submitter. Criteria: Ambry Variant Classification Scheme 2023. Collection method: clinical testing. Allele origin: germline.

Labcorp Genetics (formerly Invitae), Labcorp
Classification: Uncertain significance. Last evaluated: 2022-08-30. Review status: criteria provided, single submitter. Criteria: Invitae Variant Classification Sherloc (09022015). Collection method: clinical testing. Allele origin: germline.
Comment: This sequence change replaces valine, which is neutral and non-polar, with alanine, which is neutral and non-polar, at codon 811 of the EGF protein (p.Val811Ala). This variant is present in population databases (rs772016292, gnomAD no frequency). This variant has not been reported in the literature in individuals affected with EGF-related conditions. Algorithms developed to predict the effect of missense changes on protein structure and function output the following: SIFT: "Not Available"; PolyPhen-2: "Benign"; Align-GVGD: "Not Available". The alanine amino acid residue is found in multiple mammalian species, which suggests that this missense change does not adversely affect protein function. In summary, the available evidence is currently insufficient to determine the role of this variant in disease. Therefore, it has been classified as a Variant of Uncertain Significance.